The following is an entry in ClinVar:

ClinVar aggregate classification (germline): Uncertain significance. Review status: criteria provided, multiple submitters, no conflicts (2 of 4 stars). 2 submissions from 2 submitters: Uncertain significance (2). Last evaluated 2025-09-22.

Conditions:
Hypertrophic cardiomyopathy. Also called: HYPERTROPHIC MYOCARDIOPATHY. Identifiers: Orphanet 217569, MedGen C0007194, MeSH D002312, MONDO:0005045, HP:0001639.

Allele frequency attached by ClinVar (database versions not stated): ExAC 0.00001; gnomAD exomes below 0.00001; TOPMed 0.00002.
gnomAD v4.1: 3 of 1,607,528 alleles (0.00019%); highest among the groups gnomAD compares: South Asian, 0.0022%; no homozygotes.

Submissions (2):

Ambry Genetics
Classification: Uncertain significance. Last evaluated: 2025-09-22. Review status: criteria provided, single submitter. Criteria: Ambry Variant Classification Scheme 2023. Collection method: clinical testing. Allele origin: germline.

Labcorp Genetics (formerly Invitae), Labcorp
Classification: Uncertain significance for Hypertrophic cardiomyopathy. Last evaluated: 2024-09-16. Review status: criteria provided, single submitter. Criteria: Invitae Variant Classification Sherloc (09022015). Collection method: clinical testing. Allele origin: germline.
Comment: This sequence change replaces serine, which is neutral and polar, with leucine, which is neutral and non-polar, at codon 88 of the MYOM1 protein (p.Ser88Leu). The frequency data for this variant in the population databases is considered unreliable, as metrics indicate poor data quality at this position in the gnomAD database. This variant has not been reported in the literature in individuals affected with MYOM1-related conditions. ClinVar contains an entry for this variant (Variation ID: 524977). An algorithm developed to predict the effect of missense changes on protein structure and function (PolyPhen-2) suggests that this variant is likely to be tolerated. In summary, the available evidence is currently insufficient to determine the role of this variant in disease. Therefore, it has been classified as a Variant of Uncertain Significance.

NM_003803.4(MYOM1):c.263C>T (p.Ser88Leu)

Gene: MYOM1 (myomesin 1; minus strand). Cytogenetic location: 18p11.31.
Variant type: single nucleotide variant.
Coding change: c.263C>T on transcript NM_003803.4 (MANE Select); coding-DNA position 263, C replaced by T.
Protein change: p.Ser88Leu; replaces serine 88 with leucine.
Molecular consequence: missense variant.
Genome position (GRCh38, 1-based): chr18:3,214,961, G>A on the plus strand (C>T on the coding strand, the complement: MYOM1 is on the minus strand). VCF-style: chr18-3214961-G-A. GRCh37 (hg19) VCF-style: chr18-3214959-G-A.
Other names: c.263C>T, p.Ser88Leu (NM_019856.2); short protein forms S88L.
Identifiers: ClinVar variation 524977 (VCV000524977.9), dbSNP rs758070531, ClinGen allele CA8875311.